The following is an entry in ClinVar:

NM_000255.4(MMUT):c.1246T>G (p.Ser416Ala)

Gene: MMUT (methylmalonyl-CoA mutase; minus strand). Cytogenetic location: 6p12.3.
Variant type: single nucleotide variant.
Coding change: c.1246T>G on transcript NM_000255.4 (MANE Select); coding-DNA position 1246, T replaced by G.
Protein change: p.Ser416Ala; replaces serine 416 with alanine.
Molecular consequence: missense variant.
Genome position (GRCh38, 1-based): chr6:49,451,552, A>C on the plus strand (T>G on the coding strand, the complement: MMUT is on the minus strand). VCF-style: chr6-49451552-A-C. GRCh37 (hg19) VCF-style: chr6-49419265-A-C.
Other names: short protein forms S416A.
Identifiers: ClinVar variation 2191699 (VCV002191699.1), dbSNP rs781071952, ClinGen allele CA364398803.

ClinVar aggregate classification (germline): Uncertain significance (1 of 4 stars; one submission).

Allele frequency attached by ClinVar (database versions not stated): gnomAD 0.00001.

Submission:

Labcorp Genetics (formerly Invitae), Labcorp
Classification: Uncertain significance. Last evaluated: 2022-06-26. Review status: criteria provided, single submitter. Criteria: Invitae Variant Classification Sherloc (09022015). Collection method: clinical testing. Allele origin: germline.
Comment: This sequence change replaces serine, which is neutral and polar, with alanine, which is neutral and non-polar, at codon 416 of the MUT protein (p.Ser416Ala). This variant is present in population databases (no rsID available, gnomAD 0.01%). This variant has not been reported in the literature in individuals affected with MUT-related conditions. Algorithms developed to predict the effect of missense changes on protein structure and function are either unavailable or do not agree on the potential impact of this missense change (SIFT: "Deleterious"; PolyPhen-2: "Benign"; Align-GVGD: "Class C0"). In summary, the available evidence is currently insufficient to determine the role of this variant in disease. Therefore, it has been classified as a Variant of Uncertain Significance.